The following is an entry in ClinVar:

ClinVar aggregate classification (germline): Likely pathogenic (1 of 4 stars; one submission).

Conditions:
Aminoacylase 1 deficiency. Also called: Neurological conditions associated with aminoacylase 1 deficiency. Identifiers: Orphanet 137754, MedGen C1835922, MONDO:0012368, OMIM 609924.

Submission:

First Genomix Gene Laboratory, Genetic Diagnostics Department
Classification: Likely pathogenic for Aminoacylase 1 deficiency. Last evaluated: 2025-01-17. Review status: criteria provided, single submitter. Criteria: ACMG Guidelines, 2015. Collection method: clinical testing. Allele origin: germline. Inheritance: Autosomal recessive inheritance. Affected: no. Observed: 1 variant allele.

NM_000666.3(ACY1):c.759_762del (p.Thr254fs)

Genes: ACY1 (aminoacylase 1; plus strand), ABHD14A-ACY1 (ABHD14A-ACY1 readthrough; plus strand). Cytogenetic location: 3p21.2.
Variant type: Deletion.
Coding change: c.759_762del on transcript NM_000666.3 (MANE Select); coding-DNA positions 759 to 762, 4 bases deleted (GACT; older notation c.759_762delGACT).
Protein change: p.Thr254fs; shifts the reading frame from threonine 254.
Molecular consequence: frameshift variant. On other transcripts: intron variant (1).
Genome position (GRCh38, 1-based): chr3:51,987,360-51,987,363, GACT deleted; deleting any 4 consecutive bases within chr3:51,987,358-51,987,363 gives the same sequence; the c. name uses the placement nearest the transcript's 3' end. VCF-style (leftmost placement, unchanged base first): chr3-51987357-CCTGA-C. GRCh37 (hg19) VCF-style: chr3-52021373-CCTGA-C.
Other names: c.1029_1032del, p.Thr344fs (NM_001316331.2); c.759_762del, p.Thr254fs (NM_001198895.2); c.543_546del, p.Thr182fs (NM_001198896.2); c.654_657del, p.Thr219fs (NM_001198898.2); c.658-196_658-193del (NM_001198897.2); c.759_762delGACT (NM_000666.3); short protein forms T182fs, T219fs, T254fs, T344fs.
Identifiers: ClinVar variation 4845703 (VCV004845703.1).